The following is an entry in ClinVar:

ClinVar aggregate classification (germline): Uncertain significance. Review status: criteria provided, multiple submitters, no conflicts (2 of 4 stars). 2 submissions from 2 submitters: Uncertain significance (2). Last evaluated 2024-05-07.

Conditions:
Bethlem myopathy 1A. Also called: MYOPATHY, BENIGN CONGENITAL, WITH CONTRACTURES; Bethlem Muscular Dystrophy; Bethlem myopathy 1. Identifiers: Orphanet 610, MedGen CN029274, MONDO:0024530, OMIM 158810.

Allele frequency attached by ClinVar (database versions not stated): gnomAD 0.00001; TOPMed 0.00001; gnomAD exomes 0.00002.
gnomAD v4.1: 28 of 1,610,230 alleles (0.0017%); highest among the groups gnomAD compares: Non-Finnish European, 0.0024%; no homozygotes.

Submissions (2):

GeneDx
Classification: Uncertain significance. Last evaluated: 2024-05-07. Review status: criteria provided, single submitter. Criteria: GeneDx Variant Classification Process June 2021. Collection method: clinical testing. Allele origin: germline. Affected: yes.
Comment: Not observed at significant frequency in large population cohorts (gnomAD); In silico analysis indicates that this missense variant does not alter protein structure/function; Has not been previously published as pathogenic or benign to our knowledge

Labcorp Genetics (formerly Invitae), Labcorp
Classification: Uncertain significance for Bethlem myopathy 1A. Last evaluated: 2024-04-11. Review status: criteria provided, single submitter. Criteria: Invitae Variant Classification Sherloc (09022015). Collection method: clinical testing. Allele origin: germline.
Comment: This sequence change replaces glutamic acid, which is acidic and polar, with lysine, which is basic and polar, at codon 2327 of the COL6A3 protein (p.Glu2327Lys). This variant is not present in population databases (gnomAD no frequency). This variant has not been reported in the literature in individuals affected with COL6A3-related conditions. ClinVar contains an entry for this variant (Variation ID: 835461). Advanced modeling of protein sequence and biophysical properties (such as structural, functional, and spatial information, amino acid conservation, physicochemical variation, residue mobility, and thermodynamic stability) performed at Invitae indicates that this missense variant is not expected to disrupt COL6A3 protein function with a negative predictive value of 80%. In summary, the available evidence is currently insufficient to determine the role of this variant in disease. Therefore, it has been classified as a Variant of Uncertain Significance.

NM_004369.4(COL6A3):c.6979G>A (p.Glu2327Lys)

Gene: COL6A3 (collagen type VI alpha 3 chain; minus strand). Cytogenetic location: 2q37.3.
Variant type: single nucleotide variant.
Coding change: c.6979G>A on transcript NM_004369.4 (MANE Select); coding-DNA position 6979, G replaced by A.
Protein change: p.Glu2327Lys; replaces glutamic acid 2327 with lysine.
Molecular consequence: missense variant.
Genome position (GRCh38, 1-based): chr2:237,347,857, C>T on the plus strand (G>A on the coding strand, the complement: COL6A3 is on the minus strand). VCF-style: chr2-237347857-C-T. GRCh37 (hg19) VCF-style: chr2-238256500-C-T.
Other names: c.5158G>A, p.Glu1720Lys (NM_057166.5); c.6361G>A, p.Glu2121Lys (NM_057167.4); short protein forms E2327K, E1720K, E2121K.
Identifiers: ClinVar variation 835461 (VCV000835461.11), dbSNP rs1435064229, ClinGen allele CA351207415.